The following is an entry in ClinVar:

ClinVar aggregate classification (germline): Uncertain significance (1 of 4 stars; one submission).

Submission:

GeneDx
Classification: Uncertain significance. Last evaluated: 2024-12-26. Review status: criteria provided, single submitter. Criteria: GeneDx Variant Classification Process June 2021. Collection method: clinical testing. Allele origin: germline. Affected: yes.
Comment: Not observed at significant frequency in large population cohorts (gnomAD); In silico analysis supports that this missense variant has a deleterious effect on protein structure/function; Has not been previously published as pathogenic or benign to our knowledge

NM_177559.3(CSNK2A1):c.223A>G (p.Lys75Glu)

Gene: CSNK2A1 (casein kinase 2 alpha 1; minus strand). Cytogenetic location: 20p13.
Variant type: single nucleotide variant.
Coding change: c.223A>G on transcript NM_177559.3 (MANE Select); coding-DNA position 223, A replaced by G.
Protein change: p.Lys75Glu; replaces lysine 75 with glutamic acid.
Molecular consequence: missense variant. On other transcripts: 5 prime UTR variant (1).
Genome position (GRCh38, 1-based): chr20:499,925, T>C on the plus strand (A>G on the coding strand, the complement: CSNK2A1 is on the minus strand). VCF-style: chr20-499925-T-C. GRCh37 (hg19) VCF-style: chr20-480569-T-C.
Other names: c.223A>G, p.Lys75Glu (NM_001362770.2, NM_001362771.2, NM_001895.4); c.-186A>G (NM_177560.3); short protein forms K75E.
Identifiers: ClinVar variation 3907912 (VCV003907912.1).